The following is an entry in ClinVar:

NM_006618.5(KDM5B):c.2903_2916del (p.Val967_Ser968insTer)

Gene: KDM5B (lysine demethylase 5B; minus strand). Cytogenetic location: 1q32.1.
Variant type: Deletion.
Coding change: c.2903_2916del on transcript NM_006618.5 (MANE Select); coding-DNA positions 2903 to 2916, 14 bases deleted (CAGAGCACTGGGAC).
Protein change: p.Val967_Ser968insTer.
Molecular consequence: nonsense.
Genome position (GRCh38, 1-based): chr1:202,741,396-202,741,409, GTCCCAGTGCTCTG deleted on the plus strand (CAGAGCACTGGGAC on the coding strand, the reverse complement: KDM5B is on the minus strand). VCF-style (leftmost placement, unchanged base first): chr1-202741395-CGTCCCAGTGCTCTG-C. GRCh37 (hg19) VCF-style: chr1-202710523-CGTCCCAGTGCTCTG-C.
Other names: c.3011_3024del, p.Val1003_Ser1004insTer (NM_001314042.2); c.2768_2781del, p.Val922_Ser923insTer (NM_001347591.2); c.2888_2901del, p.Val962_Ser963insTer (NM_001399817.1).
Identifiers: ClinVar variation 4879806 (VCV004879806.1).

ClinVar aggregate classification (germline): Pathogenic (1 of 4 stars; one submission).

Conditions:
Neurodevelopmental disorder. Identifiers: MedGen C1535926, MeSH D065886, MONDO:0700092.

Submission:

Victorian Clinical Genetics Services, Murdoch Childrens Research Institute
Classification: Pathogenic for Neurodevelopmental disorder. Last evaluated: 2026-05-25. Review status: criteria provided, single submitter. Criteria: ACMG Guidelines, 2015. Collection method: clinical testing. Allele origin: germline. Affected: yes.
Comment: This variant is classified as Pathogenic. Evidence in support of pathogenic classification: Variant is predicted to cause nonsense-mediated decay (NMD) and loss of protein (premature termination codon is located at least 54 nucleotides upstream of the final exon-exon junction); Variant is absent from gnomAD (v2, v3 and v4); Other NMD-predicted variants comparable to the one identified in this case have very strong previous evidence for pathogenicity (DECIPHER); Additional information: This variant is heterozygous; This gene is associated with both recessive and dominant disease. Biallelic pathogenic variants are associated with a more severe, syndromic intellectual disability (PMID: 29276005; DECIPHER). Heterozygous variants have also been reported in association with autosomal dominant intellectual developmental disorder; however, these variants are also frequently observed in apparently unaffected individuals (PMIDs: 29276005, 30217758, 30409806); This variant has no previous evidence of pathogenicity; No published evidence of segregation with disease has been identified for this variant; No published functional evidence has been identified for this variant; Loss of function is a known mechanism of disease in this gene and is associated with autosomal recessive intellectual disability 65 (MIM#618109) and autosomal dominant neurodevelopmental disorder (MONDO:0700092), KDM5B-related; The condition associated with this gene has incomplete penetrance. While the recessive condition is fully penetrant, incomplete penetrance has been suggested for the autosomal dominant condition, where unaffected carriers of loss of function variants have been reported (PMIDs: 37231097, 30217758, 30409806); Variants in this gene are known to have variable expressivity (PMID: 39202393).

Literature cited by the submitters: PubMed 39202393; PubMed 29276005; PubMed 30409806; PubMed 30217758; PubMed 37231097.